The following is an entry in ClinVar:

NM_002582.4(PARN):c.840+4A>G

Gene: PARN (poly(A)-specific ribonuclease; minus strand). Cytogenetic location: 16p13.12.
Variant type: single nucleotide variant.
Coding change: c.840+4A>G on transcript NM_002582.4 (MANE Select); 4 bases into the intron after coding-DNA position 840, A replaced by G.
Molecular consequence: intron variant.
Genome position (GRCh38, 1-based): chr16:14,599,900, T>C on the plus strand (A>G on the coding strand, the complement: PARN is on the minus strand). VCF-style: chr16-14599900-T-C. GRCh37 (hg19) VCF-style: chr16-14693757-T-C.
Other names: c.657+4A>G (NM_001134477.3); c.702+4A>G (NM_001242992.2).
Identifiers: ClinVar variation 1439223 (VCV001439223.6), dbSNP rs777207121, ClinGen allele CA7912274.

ClinVar aggregate classification (germline): Uncertain significance (1 of 4 stars; one submission).

Conditions:
Dyskeratosis congenita, autosomal recessive 6 (DKCB6). Identifiers: MedGen C4225356, MONDO:0014600, OMIM 616353.
Pulmonary fibrosis and/or bone marrow failure, Telomere-related, 4. Also called: PULMONARY FIBROSIS AND/OR BONE MARROW FAILURE SYNDROME, TELOMERE-RELATED, 4. Identifiers: Orphanet 2032, MedGen C4225347, MONDO:0014612, OMIM 616371.

Allele frequency attached by ClinVar (database versions not stated): gnomAD 0.00001; gnomAD exomes 0.00002 and 0.00006; ExAC 0.00007.
gnomAD v4.1: 31 of 1,592,766 alleles (0.0019%); highest among the groups gnomAD compares: South Asian, 0.035%; no homozygotes.

Submission:

Labcorp Genetics (formerly Invitae), Labcorp
Classification: Uncertain significance for Dyskeratosis congenita, autosomal recessive 6; Pulmonary fibrosis and/or bone marrow failure, Telomere-related, 4. Last evaluated: 2023-02-18. Review status: criteria provided, single submitter. Criteria: Invitae Variant Classification Sherloc (09022015). Collection method: clinical testing. Allele origin: germline.
Comment: ClinVar contains an entry for this variant (Variation ID: 1439223). This sequence change falls in intron 12 of the PARN gene. It does not directly change the encoded amino acid sequence of the PARN protein. It affects a nucleotide within the consensus splice site. This variant is present in population databases (rs777207121, gnomAD 0.05%). This variant has not been reported in the literature in individuals affected with PARN-related conditions. Variants that disrupt the consensus splice site are a relatively common cause of aberrant splicing (PMID: 17576681, 9536098). Algorithms developed to predict the effect of sequence changes on RNA splicing suggest that this variant may disrupt the consensus splice site. In summary, the available evidence is currently insufficient to determine the role of this variant in disease. Therefore, it has been classified as a Variant of Uncertain Significance.

Literature cited by the submitters: PubMed 17576681; PubMed 9536098.